The following is an entry in ClinVar:

ClinVar aggregate classification (germline): Pathogenic (1 of 4 stars; one submission).

Conditions:
Congenital myotonia, autosomal dominant form (THD). Also called: THOMSEN DISEASE; Myotonia congenita autosomal dominant. Identifiers: Orphanet 614, MedGen C2936781, MONDO:0008055, OMIM 160800.

Submission:

MGZ Medical Genetics Center
Classification: Pathogenic for Congenital myotonia, autosomal dominant form. Last evaluated: 2021-11-10. Review status: criteria provided, single submitter. Criteria: ACMG Guidelines, 2015. Collection method: clinical testing. Allele origin: germline. Affected: yes. Observed: 3 variant alleles.
Comment: ACMG criteria applied: PS3, PS4_MOD, PM1, PM2_SUP, PP3

NM_000083.3(CLCN1):c.918C>A (p.Phe306Leu)

Gene: CLCN1 (chloride voltage-gated channel 1; plus strand). Cytogenetic location: 7q34.
Variant type: single nucleotide variant.
Coding change: c.918C>A on transcript NM_000083.3 (MANE Select); coding-DNA position 918, C replaced by A.
Protein change: p.Phe306Leu; replaces phenylalanine 306 with leucine.
Molecular consequence: missense variant. On other transcripts: non-coding transcript variant (1).
Genome position (GRCh38, 1-based): chr7:143,330,836, C>A. VCF-style: chr7-143330836-C-A. GRCh37 (hg19) VCF-style: chr7-143027929-C-A.
Other names: short protein forms F306L.
Identifiers: ClinVar variation 1709983 (VCV001709983.2), dbSNP rs2487057516, ClinGen allele CA369641622.